The following is an entry in ClinVar:

NM_080424.4(SP110):c.2122G>C (p.Gly708Arg)

Gene: SP110 (SP110 nuclear body protein; minus strand). Cytogenetic location: 2q37.1.
Variant type: single nucleotide variant.
Coding change: c.2122G>C on transcript NM_080424.4 (MANE Select); coding-DNA position 2122, G replaced by C.
Protein change: p.Gly708Arg; replaces glycine 708 with arginine.
Molecular consequence: missense variant.
Genome position (GRCh38, 1-based): chr2:230,169,144, C>G on the plus strand (G>C on the coding strand, the complement: SP110 is on the minus strand). VCF-style: chr2-230169144-C-G. GRCh37 (hg19) VCF-style: chr2-231033860-C-G.
Other names: c.2218G>C, p.Gly740Arg (NM_001378442.1); c.2200G>C, p.Gly734Arg (NM_001378443.1); c.2140G>C, p.Gly714Arg (NM_001378444.1); c.2068G>C, p.Gly690Arg (NM_001378445.1); c.1927G>C, p.Gly643Arg (NM_001378446.1); c.2050G>C, p.Gly684Arg (NM_004509.5); short protein forms G684R, G708R, G643R, G690R, G714R, G734R, G740R.
Identifiers: ClinVar variation 577709 (VCV000577709.12), dbSNP rs181058279, ClinGen allele CA2154232.

ClinVar aggregate classification (germline): Conflicting classifications of pathogenicity. Review status: criteria provided, conflicting classifications (1 of 4 stars). 4 submissions from 4 submitters: Uncertain significance (3); Likely benign (1). Last evaluated 2024-10-16.

Conditions:
Hepatic veno-occlusive disease-immunodeficiency syndrome. Also called: Hepatic Veno-Occlusive Disease with Immunodeficiency. Identifiers: Orphanet 79124, MedGen C1856128, MONDO:0009338, OMIM 235550. Disease mechanism: loss of function.

Allele frequency attached by ClinVar (database versions not stated): 1000 Genomes Project 0.00100; gnomAD 0.00029; TOPMed 0.00054; 1000 Genomes Project 30x 0.00078.
gnomAD v4.1: 1,438 of 1,612,512 alleles (0.089%); highest among the groups gnomAD compares: Non-Finnish European, 0.11%; 3 homozygotes.

Submissions (4):

Blueprint Genetics
Classification: Likely benign. Last evaluated: 2024-10-16. Review status: criteria provided, single submitter. Criteria: ACMG Guidelines, 2015. Collection method: clinical testing. Allele origin: germline.

Labcorp Genetics (formerly Invitae), Labcorp
Classification: Uncertain significance for Hepatic veno-occlusive disease-immunodeficiency syndrome. Last evaluated: 2022-10-17. Review status: criteria provided, single submitter. Criteria: Invitae Variant Classification Sherloc (09022015). Collection method: clinical testing. Allele origin: germline.
Comment: This sequence change replaces glycine, which is neutral and non-polar, with arginine, which is basic and polar, at codon 684 of the SP110 protein (p.Gly684Arg). This variant is present in population databases (rs181058279, gnomAD 0.07%). This variant has not been reported in the literature in individuals affected with SP110-related conditions. ClinVar contains an entry for this variant (Variation ID: 577709). Algorithms developed to predict the effect of missense changes on protein structure and function (SIFT, PolyPhen-2, Align-GVGD) all suggest that this variant is likely to be tolerated. In summary, the available evidence is currently insufficient to determine the role of this variant in disease. Therefore, it has been classified as a Variant of Uncertain Significance.

Department of Pathology and Laboratory Medicine, Sinai Health System
Classification: Uncertain significance for hepatic veno-occlusive disease-immunodeficiency syndrome. Last evaluated: 2020-10-27. Review status: criteria provided, single submitter. Criteria: ACMG Guidelines, 2015. Collection method: research. Allele origin: germline.

Illumina Laboratory Services, Illumina
Classification: Uncertain significance for Hepatic veno-occlusive disease-immunodeficiency syndrome. Last evaluated: 2018-01-13. Review status: criteria provided, single submitter. Criteria: ICSL Variant Classification Criteria 13 December 2019. Collection method: clinical testing. Allele origin: germline.